The following is an entry in ClinVar:

NM_004656.4(BAP1):c.108G>A (p.Gln36=)

Gene: BAP1 (BRCA1 associated deubiquitinase 1; minus strand). Cytogenetic location: 3p21.1.
Variant type: single nucleotide variant.
Coding change: c.108G>A on transcript NM_004656.4 (MANE Select); coding-DNA position 108, G replaced by A.
Protein change: p.Gln36=; no amino-acid change (glutamine 36 retained).
Molecular consequence: synonymous variant.
Genome position (GRCh38, 1-based): chr3:52,409,568, C>T on the plus strand (G>A on the coding strand, the complement: BAP1 is on the minus strand). VCF-style: chr3-52409568-C-T. GRCh37 (hg19) VCF-style: chr3-52443584-C-T.
Identifiers: ClinVar variation 1092747 (VCV001092747.20), dbSNP rs2153228521, ClinGen allele CA433778567.

ClinVar aggregate classification (germline): Benign/Likely benign. Review status: criteria provided, multiple submitters, no conflicts (2 of 4 stars). 4 submissions from 4 submitters: Benign (1); Likely benign (3). Last evaluated 2025-08-29.

Conditions:
Hereditary cancer-predisposing syndrome. Also called: Neoplastic Syndromes, Hereditary; Tumor predisposition; Hereditary neoplastic syndrome; Hereditary Cancer Syndrome. Identifiers: Orphanet 140162, MedGen C0027672, MeSH D009386, MONDO:0015356.
BAP1-related tumor predisposition syndrome (TPDS1). Also called: Tumor susceptibility linked to germline BAP1 mutations; COMMON Syndrome; TUMOR PREDISPOSITION SYNDROME 1; BAP1 tumor predisposition syndrome. Identifiers: Orphanet 289539, MedGen C3280492, MONDO:0013692, OMIM 614327.

Submissions (4):

Labcorp Genetics (formerly Invitae), Labcorp
Classification: Likely benign for BAP1-related tumor predisposition syndrome. Last evaluated: 2025-08-29. Review status: criteria provided, single submitter. Criteria: Invitae Variant Classification Sherloc (09022015). Collection method: clinical testing. Allele origin: germline.

CeGaT Center for Human Genetics Tuebingen
Classification: Likely benign. Last evaluated: 2025-05-01. Review status: criteria provided, single submitter. Criteria: CeGaT Center For Human Genetics Tuebingen Variant Classification Criteria Version 2. Collection method: clinical testing. Allele origin: germline. Affected: yes. Observed: 1 variant allele.
Comment: BAP1: BP4, BP7

Myriad Genetics, Inc.
Classification: Benign for BAP1-related tumor predisposition syndrome. Last evaluated: 2024-07-11. Review status: criteria provided, single submitter. Criteria: Myriad Autosomal Dominant, Autosomal Recessive and X-Linked Classification Criteria (2023). Collection method: clinical testing. Allele origin: unknown.
Comment: This variant is considered benign. This variant is a silent/synonymous amino acid change and it is not expected to impact splicing.

Ambry Genetics
Classification: Likely benign for Hereditary cancer-predisposing syndrome. Last evaluated: 2021-12-13. Review status: criteria provided, single submitter. Criteria: Ambry Variant Classification Scheme 2023. Collection method: clinical testing. Allele origin: germline.